The following is an entry in ClinVar:

NM_001278669.2(NFATC1):c.952G>A (p.Ala318Thr)

Gene: NFATC1 (nuclear factor of activated T cells 1; plus strand). Cytogenetic location: 18q23.
Variant type: single nucleotide variant.
Coding change: c.952G>A on transcript NM_001278669.2 (MANE Select); coding-DNA position 952, G replaced by A.
Protein change: p.Ala318Thr; replaces alanine 318 with threonine.
Molecular consequence: missense variant. On other transcripts: intron variant (2).
Genome position (GRCh38, 1-based): chr18:79,411,227, G>A. VCF-style: chr18-79411227-G-A. GRCh37 (hg19) VCF-style: chr18-77171227-G-A.
Other names: c.952G>A, p.Ala318Thr (NM_001278670.2, NM_006162.5, NM_172390.3); c.913G>A, p.Ala305Thr (NM_001278672.2, NM_001278675.2, NM_172387.3 and 1 more transcripts); c.-191+14876G>A (NM_172388.3); c.-191+10748G>A (NM_001278673.2); c.913G>A (NM_172387.1); short protein forms A318T, A305T.
Identifiers: ClinVar variation 2905769 (VCV002905769.4), dbSNP rs577696155, ClinGen allele CA9008989.

ClinVar aggregate classification (germline): Uncertain significance. Review status: criteria provided, multiple submitters, no conflicts (2 of 4 stars). 2 submissions from 2 submitters: Uncertain significance (2). Last evaluated 2023-12-28.

Allele frequency attached by ClinVar (database versions not stated): TOPMed 0.00002; ExAC 0.00003; gnomAD 0.00003; 1000 Genomes Project 30x 0.00016; 1000 Genomes Project 0.00020.
gnomAD v4.1: 24 of 1,605,120 alleles (0.0015%); highest among the groups gnomAD compares: East Asian, 0.011%; no homozygotes.

Submissions (2):

Ambry Genetics
Classification: Uncertain significance. Last evaluated: 2023-12-28. Review status: criteria provided, single submitter. Criteria: Ambry Variant Classification Scheme 2023. Collection method: clinical testing. Allele origin: germline.

Labcorp Genetics (formerly Invitae), Labcorp
Classification: Uncertain significance. Last evaluated: 2022-11-16. Review status: criteria provided, single submitter. Criteria: Invitae Variant Classification Sherloc (09022015). Collection method: clinical testing. Allele origin: germline.
Comment: In summary, the available evidence is currently insufficient to determine the role of this variant in disease. Therefore, it has been classified as a Variant of Uncertain Significance. Algorithms developed to predict the effect of missense changes on protein structure and function are either unavailable or do not agree on the potential impact of this missense change (SIFT: "Tolerated"; PolyPhen-2: "Probably Damaging"; Align-GVGD: "Class C0"). This variant has not been reported in the literature in individuals affected with NFATC1-related conditions. This variant is present in population databases (rs577696155, gnomAD 0.02%). This sequence change replaces alanine, which is neutral and non-polar, with threonine, which is neutral and polar, at codon 318 of the NFATC1 protein (p.Ala318Thr).